The following is an entry in ClinVar:

NM_021096.4(CACNA1I):c.6191G>A (p.Arg2064His)

Gene: CACNA1I (calcium voltage-gated channel subunit alpha1 I; plus strand). Cytogenetic location: 22q13.1.
Variant type: single nucleotide variant.
Coding change: c.6191G>A on transcript NM_021096.4 (MANE Select); coding-DNA position 6191, G replaced by A.
Protein change: p.Arg2064His; replaces arginine 2064 with histidine.
Molecular consequence: missense variant.
Genome position (GRCh38, 1-based): chr22:39,685,924, G>A. VCF-style: chr22-39685924-G-A. GRCh37 (hg19) VCF-style: chr22-40081929-G-A.
Other names: c.6191G>A (NM_021096.3); c.6086G>A, p.Arg2029His (NM_001003406.2); short protein forms R2029H, R2064H.
Identifiers: ClinVar variation 2498909 (VCV002498909.29), dbSNP rs2518211327, ClinGen allele CA411646902.

ClinVar aggregate classification (germline): Uncertain significance. Review status: criteria provided, multiple submitters, no conflicts (2 of 4 stars). 2 submissions from 2 submitters: Uncertain significance (2). Last evaluated 2024-03-23.

Submissions (2):

GeneDx
Classification: Uncertain significance. Last evaluated: 2024-03-23. Review status: criteria provided, single submitter. Criteria: GeneDx Variant Classification Process June 2021. Collection method: clinical testing. Allele origin: germline. Affected: yes.
Comment: Not observed at significant frequency in large population cohorts (gnomAD); In silico analysis supports that this missense variant does not alter protein structure/function; Has not been previously published as pathogenic or benign to our knowledge

CeGaT Center for Human Genetics Tuebingen
Classification: Uncertain significance. Last evaluated: 2023-02-01. Review status: criteria provided, single submitter. Criteria: CeGaT Center For Human Genetics Tuebingen Variant Classification Criteria Version 2. Collection method: clinical testing. Allele origin: germline. Affected: yes. Observed: 1 variant allele.
Comment: CACNA1I: PM2